The following is an entry in ClinVar:

ClinVar aggregate classification (germline): Uncertain significance (1 of 4 stars; one submission).

gnomAD v4.1: 1 of 1,587,448 alleles (0.000063%); no homozygotes.

Submission:

Labcorp Genetics (formerly Invitae), Labcorp
Classification: Uncertain significance. Last evaluated: 2022-06-28. Review status: criteria provided, single submitter. Criteria: Invitae Variant Classification Sherloc (09022015). Collection method: clinical testing. Allele origin: germline.
Comment: In summary, the available evidence is currently insufficient to determine the role of this variant in disease. Therefore, it has been classified as a Variant of Uncertain Significance. Algorithms developed to predict the effect of sequence changes on RNA splicing suggest that this variant may create or strengthen a splice site. This variant has not been reported in the literature in individuals affected with PACS2-related conditions. This variant is not present in population databases (gnomAD no frequency). This sequence change falls in intron 22 of the PACS2 gene. It does not directly change the encoded amino acid sequence of the PACS2 protein.

NM_001100913.3(PACS2):c.2255+10C>A

Gene: PACS2 (phosphofurin acidic cluster sorting protein 2; plus strand). Cytogenetic location: 14q32.33.
Variant type: single nucleotide variant.
Coding change: c.2255+10C>A on transcript NM_001100913.3 (MANE Select); 10 bases into the intron after coding-DNA position 2255, C replaced by A.
Molecular consequence: intron variant.
Genome position (GRCh38, 1-based): chr14:105,391,776, C>A. VCF-style: chr14-105391776-C-A. GRCh37 (hg19) VCF-style: chr14-105858113-C-A.
Other names: c.1985+10C>A (NM_001243127.3); c.2210+10C>A (NM_015197.4).
Identifiers: ClinVar variation 1998465 (VCV001998465.4), dbSNP rs2081366185, ClinGen allele CA2580088535.